The following is an entry in ClinVar:

ClinVar aggregate classification (germline): Likely pathogenic (1 of 4 stars; one submission).

Conditions:
Neuronal ceroid lipofuscinosis 2. Also called: JANSKY-BIELSCHOWSKY DISEASE NEURONAL CEROID LIPOFUSCINOSIS, LATE INFANTILE; TPP1-Related Neuronal Ceroid-Lipofuscinosis. Identifiers: Orphanet 168491, Orphanet 228349, Orphanet 79264, MedGen C1876161, MONDO:0008769, OMIM 204500.

Submission:

Neuberg Centre For Genomic Medicine, NCGM
Classification: Likely pathogenic for Neuronal ceroid lipofuscinosis 2. Last evaluated: 2024-02-01. Review status: criteria provided, single submitter. Criteria: ACMG Guidelines, 2015. Collection method: clinical testing. Allele origin: germline. Inheritance: Autosomal recessive inheritance. Affected: yes.
Comment: The above variant in the TPP1 gene has not been reported previously as a pathogenic variant nor as a benign variant, to our knowledge. Additional functional studies will be required to prove the pathogenicity of this variant. For these reasons, this variant has been classified as Likely Pathogenic

NM_000391.4(TPP1):c.421_437del (p.Tyr141fs)

Gene: TPP1 (tripeptidyl peptidase 1; minus strand). Cytogenetic location: 11p15.4.
Variant type: Deletion.
Coding change: c.421_437del on transcript NM_000391.4 (MANE Select); coding-DNA positions 421 to 437, 17 bases deleted (TATGTGGGAGGACCTAC).
Protein change: p.Tyr141fs; shifts the reading frame from tyrosine 141.
Molecular consequence: frameshift variant.
Genome position (GRCh38, 1-based): chr11:6,617,372-6,617,388, GTAGGTCCTCCCACATA deleted on the plus strand (TATGTGGGAGGACCTAC on the coding strand, the reverse complement: TPP1 is on the minus strand); deleting any 17 consecutive bases within chr11:6,617,372-6,617,390 gives the same sequence; the c. name uses the placement nearest the transcript's 3' end. VCF-style (leftmost placement, unchanged base first): chr11-6617371-CGTAGGTCCTCCCACATA-C. GRCh37 (hg19) VCF-style: chr11-6638602-CGTAGGTCCTCCCACATA-C.
Other names: short protein forms Y141fs.
Identifiers: ClinVar variation 3895511 (VCV003895511.1).
Genomic context (GRCh38, chr11:6,617,371, plus strand): 5'-ATGGGGGGCCAAGGCCTGTGGAAGCTGGTAGGGATGTGGGGACCTTACAACATGGGTTTC[CGTAGGTCCTCCCACATA>C]GTGATGAAACTCAGCCCCAGGGAGCAGCAGCTCTGCTTGTCTGGAGGTCAGAGAACAGAG-3'